The following is an entry in ClinVar:

ClinVar aggregate classification (germline): Uncertain significance (1 of 4 stars; one submission).

Conditions:
Cardiovascular phenotype. Identifiers: MedGen CN230736.

gnomAD v4.1: 1 of 1,613,950 alleles (0.000062%); highest among the groups gnomAD compares: Non-Finnish European, 0.000085%; no homozygotes.

Submission:

Ambry Genetics
Classification: Uncertain significance for Cardiovascular phenotype. Last evaluated: 2025-05-15. Review status: criteria provided, single submitter. Criteria: Ambry Variant Classification Scheme 2023. Collection method: clinical testing. Allele origin: germline.
Comment: The p.I358V variant (also known as c.1072A>G), located in coding exon 2 of the MYPN gene, results from an A to G substitution at nucleotide position 1072. The isoleucine at codon 358 is replaced by valine, an amino acid with highly similar properties. This amino acid position is conserved. In addition, this alteration is predicted to be tolerated by in silico analysis. Based on the available evidence, the clinical significance of this variant remains unclear.

NM_032578.4(MYPN):c.1072A>G (p.Ile358Val)

Gene: MYPN (myopalladin; plus strand). Cytogenetic location: 10q21.3.
Variant type: single nucleotide variant.
Coding change: c.1072A>G on transcript NM_032578.4 (MANE Select); coding-DNA position 1072, A replaced by G.
Protein change: p.Ile358Val; replaces isoleucine 358 with valine.
Molecular consequence: missense variant. On other transcripts: non-coding transcript variant (2).
Genome position (GRCh38, 1-based): chr10:68,143,109, A>G. VCF-style: chr10-68143109-A-G. GRCh37 (hg19) VCF-style: chr10-69902866-A-G.
Other names: c.1072A>G, p.Ile358Val (NM_001256267.2); c.190A>G, p.Ile64Val (NM_001256268.2); short protein forms I64V, I358V.
Identifiers: ClinVar variation 3916694 (VCV003916694.1).